The following is an entry in ClinVar:

ClinVar aggregate classification (germline): Uncertain significance (1 of 4 stars; one submission).

Conditions:
SCN8A-related disorder.

Submission:

PreventionGenetics, part of Exact Sciences
Classification: Uncertain significance for SCN8A-related condition. Last evaluated: 2022-09-28. Review status: criteria provided, single submitter. Criteria: ACMG Guidelines, 2015. Collection method: clinical testing. Allele origin: germline.
Comment: The SCN8A c.2531G>C variant is predicted to result in the amino acid substitution p.Arg844Pro. To our knowledge, this variant has not been reported in the literature or in a large population database, indicating this variant is rare. At this time, the clinical significance of this variant is uncertain due to the absence of conclusive functional and genetic evidence.

NM_001330260.2(SCN8A):c.2531G>C (p.Arg844Pro)

Gene: SCN8A (sodium voltage-gated channel alpha subunit 8; plus strand). Cytogenetic location: 12q13.13.
Variant type: single nucleotide variant.
Coding change: c.2531G>C on transcript NM_001330260.2 (MANE Select); coding-DNA position 2531, G replaced by C.
Protein change: p.Arg844Pro; replaces arginine 844 with proline.
Molecular consequence: missense variant.
Genome position (GRCh38, 1-based): chr12:51,762,663, G>C. VCF-style: chr12-51762663-G-C. GRCh37 (hg19) VCF-style: chr12-52156447-G-C.
Other names: c.2531G>C, p.Arg844Pro (NM_001177984.3, NM_001369788.1, NM_014191.4); short protein forms R844P.
Identifiers: ClinVar variation 2628402 (VCV002628402.1), dbSNP rs1476532344, ClinGen allele CA384884763.
Genomic context (GRCh38, chr12:51,762,663, plus strand): 5'-TTGTCTCCCTCAGTTTAATGGAACTGAGTCTAGCAGACGTGGAGGGGCTTTCAGTGCTGC[G>C]ATCTTTCCGATTGGTATTCCATATTTCTCCAATTTCTTTTAACATTTCCTATCTTGCAGC-3'
Protein context (NP_001317189.1, residues 834-854): LADVEGLSVL[Arg844Pro]SFRLLRVFKL